The following is an entry in ClinVar:

Conditions:
Arteriohepatic dysplasia. Also called: Alagille Syndrome. Identifiers: Orphanet 52, MedGen C0085280, MeSH D016738, MONDO:0007318.

Submission:

Gilbert/Spinner Lab, Children's Hospital of Philadelphia
No classification provided (evidence only). Condition: Alagille syndrome. Review status: no classification provided. Collection method: research. Allele origin: not applicable. Functional consequence: functionally_abnormal.
ClinVar note: "not provided" was previously submitted as the classification for the variant. However, the classification appeared to be based only on an observation of functional data so it was converted to no classification on 2025-07-30.

NM_000214.3(JAG1):c.475G>C (p.Gly159Arg)

Gene: JAG1 (jagged canonical Notch ligand 1; minus strand). Cytogenetic location: 20p12.2.
Variant type: single nucleotide variant.
Coding change: c.475G>C on transcript NM_000214.3 (MANE Select); coding-DNA position 475, G replaced by C.
Protein change: p.Gly159Arg; replaces glycine 159 with arginine.
Molecular consequence: missense variant.
Genome position (GRCh38, 1-based): chr20:10,658,687, C>G on the plus strand (G>C on the coding strand, the complement: JAG1 is on the minus strand). VCF-style: chr20-10658687-C-G. GRCh37 (hg19) VCF-style: chr20-10639335-C-G.
Other names: short protein forms G159R.
Identifiers: ClinVar variation 3573316 (VCV003573316.2).
Genomic context (GRCh38, chr20:10,658,687, plus strand): 5'-AGTGGGCAACGCCCGTGTTCTGCTTCAGCGTCTGCCACTGCCGGCTGGGGTTGATCATGC[C>G]CGAGTGAGAAGCCTTTTCAATAATACTGTCAGGTTCTAGAGACAAAGTGATGAATCATGT-3'
Protein context (NP_000205.1, residues 149-169): DSIIEKASHS[Gly159Arg]MINPSRQWQT